The following is an entry in ClinVar:

ClinVar aggregate classification (germline): Pathogenic (1 of 4 stars; one submission).

Conditions:
Wilson disease (WND). Also called: Wilson's disease. Identifiers: Orphanet 905, MedGen C0019202, MONDO:0010200, OMIM 277900. Disease mechanism: loss of function.

Submission:

Labcorp Genetics (formerly Invitae), Labcorp
Classification: Pathogenic for Wilson disease. Last evaluated: 2021-09-08. Review status: criteria provided, single submitter. Criteria: Invitae Variant Classification Sherloc (09022015). Collection method: clinical testing. Allele origin: germline.
Comment: For these reasons, this variant has been classified as Pathogenic. This variant has not been reported in the literature in individuals affected with ATP7B-related conditions. This variant is not present in population databases (ExAC no frequency). This sequence change creates a premature translational stop signal (p.Thr1062Leufs*59) in the ATP7B gene. It is expected to result in an absent or disrupted protein product. Loss-of-function variants in ATP7B are known to be pathogenic (PMID: 10441329, 16283883).

Literature cited by the submitters: PubMed 10441329; PubMed 16283883.

NM_000053.4(ATP7B):c.3183del (p.Thr1062fs)

Gene: ATP7B (ATPase copper transporting beta; minus strand). Cytogenetic location: 13q14.3.
Variant type: Deletion.
Coding change: c.3183del on transcript NM_000053.4 (MANE Select); coding-DNA position 3183, one base deleted (G; older notation c.3183delG).
Protein change: p.Thr1062fs; shifts the reading frame from threonine 1062.
Molecular consequence: frameshift variant.
Genome position (GRCh38, 1-based): chr13:51,944,169, C deleted on the plus strand (G on the coding strand, the reverse complement: ATP7B is on the minus strand); the first of 4 consecutive C bases (chr13:51,944,169-51,944,172); deleting any one gives the same sequence. VCF-style (leftmost placement, unchanged base first): chr13-51944168-TC-T. GRCh37 (hg19) VCF-style: chr13-52518304-TC-T.
Other names: c.2562del, p.Thr855fs (NM_001005918.3); c.2850del, p.Thr951fs (NM_001243182.2); c.2949del, p.Thr984fs (NM_001330578.2); c.2931del, p.Thr978fs (NM_001330579.2); short protein forms T855fs, T984fs, T951fs, T1062fs, T978fs.
Identifiers: ClinVar variation 1383072 (VCV001383072.6), dbSNP rs2138948876, ClinGen allele CA2573149708.
Genomic context (GRCh38, chr13:51,944,168, plus strand): 5'-CCTCTTTACAGTATTTGGTGACTGCCACGCCCAAGGGGTGTTCACTGCTGGCCTCCGCAG[TC>T]CCCACCACAGCCAGAACCTTCCTGAGGGGCAGTGTGGCCACATCCCCCAGCAGGAGCACC-3'